The following is an entry in ClinVar:

NM_000507.4(FBP1):c.871A>T (p.Lys291Ter)

Gene: FBP1 (fructose-bisphosphatase 1; minus strand). Cytogenetic location: 9q22.32.
Variant type: single nucleotide variant.
Coding change: c.871A>T on transcript NM_000507.4 (MANE Select); coding-DNA position 871, A replaced by T.
Protein change: p.Lys291Ter; replaces lysine 291 with a stop codon.
Molecular consequence: nonsense.
Genome position (GRCh38, 1-based): chr9:94,603,527, T>A on the plus strand (A>T on the coding strand, the complement: FBP1 is on the minus strand). VCF-style: chr9-94603527-T-A. GRCh37 (hg19) VCF-style: chr9-97365809-T-A.
Other names: c.871A>T, p.Lys291Ter (NM_001127628.2); short protein forms K291*.
Identifiers: ClinVar variation 5009583 (VCV005009583.1).

ClinVar aggregate classification (germline): Likely pathogenic (1 of 4 stars; one submission).

Submission:

GeneDx
Classification: Likely pathogenic. Last evaluated: 2026-03-21. Review status: criteria provided, single submitter. Criteria: GeneDx Variant Classification Process June 2021. Collection method: clinical testing. Allele origin: germline.
Comment: Nonsense variant predicted to result in protein truncation, as the last 48 amino acid(s) are lost, and other loss-of-function variants have been reported downstream in HGMD; Not observed at significant frequency in large population cohorts (gnomAD); Has not been previously published as pathogenic or benign to our knowledge